The following is an entry in ClinVar:

NC_000016.9:g.(?_89869657)_(89871810_?)del

Gene: FANCA (FA complementation group A; minus strand). Cytogenetic location: 16q24.3.
Variant type: Deletion.
Identifiers: ClinVar variation 1430296 (VCV001430296.5).

ClinVar aggregate classification (germline): Pathogenic (1 of 4 stars; one submission).

Conditions:
Fanconi anemia (FA). Also called: Fanconi's anemia. Identifiers: Orphanet 84, MedGen C0015625, MeSH D005199, MONDO:0019391.

Submission:

Labcorp Genetics (formerly Invitae), Labcorp
Classification: Pathogenic for Fanconi anemia. Last evaluated: 2021-08-12. Review status: criteria provided, single submitter. Criteria: Invitae Variant Classification Sherloc (09022015). Collection method: clinical testing. Allele origin: germline.
Comment: This variant is a gross deletion of the genomic region encompassing exon(s) 7-8 of the FANCA gene. This deletion is out-of-frame, and is expected to create a premature termination codon and result in an absent or disrupted protein product. Loss-of-function variants in FANCA are known to be pathogenic (PMID: 19367192). This variant has not been reported in the literature in individuals affected with FANCA-related conditions. For these reasons, this variant has been classified as Pathogenic.

Literature cited by the submitters: PubMed 19367192.